The following is an entry in ClinVar:

ClinVar aggregate classification (germline): Uncertain significance (1 of 4 stars; one submission).

Allele frequency attached by ClinVar (database versions not stated): gnomAD exomes 0.00001; gnomAD 0.00002 and 0.00003.

Submission:

Labcorp Genetics (formerly Invitae), Labcorp
Classification: Uncertain significance. Last evaluated: 2024-02-17. Review status: criteria provided, single submitter. Criteria: Invitae Variant Classification Sherloc (09022015). Collection method: clinical testing. Allele origin: germline.
Comment: This sequence change replaces arginine, which is basic and polar, with cysteine, which is neutral and slightly polar, at codon 1018 of the TONSL protein (p.Arg1018Cys). This variant is present in population databases (rs745854629, gnomAD 0.01%). This variant has not been reported in the literature in individuals affected with TONSL-related conditions. ClinVar contains an entry for this variant (Variation ID: 1513388). Advanced modeling of protein sequence and biophysical properties (such as structural, functional, and spatial information, amino acid conservation, physicochemical variation, residue mobility, and thermodynamic stability) performed at Invitae indicates that this missense variant is expected to disrupt TONSL protein function with a positive predictive value of 80%. In summary, the available evidence is currently insufficient to determine the role of this variant in disease. Therefore, it has been classified as a Variant of Uncertain Significance.

NM_013432.5(TONSL):c.3052C>T (p.Arg1018Cys)

Gene: TONSL (tonsoku like, DNA repair protein; minus strand). Cytogenetic location: 8q24.3.
Variant type: single nucleotide variant.
Coding change: c.3052C>T on transcript NM_013432.5 (MANE Select); coding-DNA position 3052, C replaced by T.
Protein change: p.Arg1018Cys; replaces arginine 1018 with cysteine.
Molecular consequence: missense variant.
Genome position (GRCh38, 1-based): chr8:144,434,844, G>A on the plus strand (C>T on the coding strand, the complement: TONSL is on the minus strand). VCF-style: chr8-144434844-G-A. GRCh37 (hg19) VCF-style: chr8-145660227-G-A.
Other names: short protein forms R1018C.
Identifiers: ClinVar variation 1513388 (VCV001513388.8), dbSNP rs745854629, ClinGen allele CA4942616.